The following is an entry in ClinVar:

ClinVar aggregate classification (germline): Benign/Likely benign. Review status: criteria provided, multiple submitters, no conflicts (2 of 4 stars). 3 submissions from 3 submitters: Benign (1); Likely benign (1). 1 of the submissions does not count toward it. Last evaluated 2025-01-20.

Conditions:
RYR3-related disorder. Also called: RYR3-related condition.
Epileptic encephalopathy. Identifiers: MedGen C0543888, HP:0200134.

Allele frequency attached by ClinVar (database versions not stated): gnomAD exomes 0.00026 and 0.00038; ESP Exome Variant Server 0.00033; ExAC 0.00046; 1000 Genomes Project 0.00060; 1000 Genomes Project 30x 0.00062; TOPMed 0.00062; gnomAD 0.00066 and 0.00068.
gnomAD v4.1: 487 of 1,611,660 alleles (0.03%); highest among the groups gnomAD compares: African/African-American, 0.11%; no homozygotes.

Submissions (3):

Labcorp Genetics (formerly Invitae), Labcorp
Classification: Benign for Epileptic encephalopathy. Last evaluated: 2025-01-20. Review status: criteria provided, single submitter. Criteria: Invitae Variant Classification Sherloc (09022015). Collection method: clinical testing. Allele origin: germline.

CeGaT Center for Human Genetics Tuebingen
Classification: Likely benign. Last evaluated: 2022-06-01. Review status: criteria provided, single submitter. Criteria: CeGaT Center For Human Genetics Tuebingen Variant Classification Criteria Version 2. Collection method: clinical testing. Allele origin: germline. Affected: yes. Observed: 1 variant allele.
Comment: RYR3: BP4, BP7

PreventionGenetics, part of Exact Sciences
Classification: Likely benign for RYR3-related condition. Last evaluated: 2019-09-06. Review status: no assertion criteria provided. Collection method: clinical testing. Allele origin: germline. Not counted in ClinVar's aggregate classification.
Comment: This variant is classified as likely benign based on ACMG/AMP sequence variant interpretation guidelines (Richards et al. 2015 PMID: 25741868, with internal and published modifications).

NM_001036.6(RYR3):c.8481C>T (p.Tyr2827=)

Gene: RYR3 (ryanodine receptor 3; plus strand). Cytogenetic location: 15q14.
Variant type: single nucleotide variant.
Coding change: c.8481C>T on transcript NM_001036.6 (MANE Select); coding-DNA position 8481, C replaced by T.
Protein change: p.Tyr2827=; no amino-acid change (tyrosine 2827 retained).
Molecular consequence: synonymous variant.
Genome position (GRCh38, 1-based): chr15:33,755,146, C>T. VCF-style: chr15-33755146-C-T. GRCh37 (hg19) VCF-style: chr15-34047347-C-T.
Other names: c.8481C>T, p.Tyr2827= (NM_001243996.4).
Identifiers: ClinVar variation 461967 (VCV000461967.43), dbSNP rs188257094, ClinGen allele CA7460219.